The following is an entry in ClinVar:

ClinVar aggregate classification (germline): Benign. Review status: criteria provided, multiple submitters, no conflicts (2 of 4 stars). 2 submissions from 2 submitters: Benign (2). Last evaluated 2023-05-04.

Conditions:
Developmental and epileptic encephalopathy, 83. Also called: EPILEPTIC ENCEPHALOPATHY, EARLY INFANTILE, 83; BARAKAT-PERENTHALER SYNDROME. Identifiers: MedGen C5231487, MONDO:0032895, OMIM 618744.

Allele frequency attached by ClinVar (database versions not stated): ExAC 0.01844; 1000 Genomes Project 30x 0.00828; 1000 Genomes Project 0.00819; gnomAD 0.01750; TOPMed 0.01420; ESP Exome Variant Server 0.01638.
gnomAD v4.1: 33,936 of 1,613,974 alleles (2.1%); highest among the groups gnomAD compares: Non-Finnish European, 2.2%; 435 homozygotes.

Submissions (2):

Molecular Genetics, Royal Melbourne Hospital
Classification: Benign for Developmental and epileptic encephalopathy, 83. Last evaluated: 2023-05-04. Review status: criteria provided, single submitter. Criteria: ACMG Guidelines, 2015. Collection method: clinical testing. Allele origin: germline. Affected: yes.
Comment: European Non-Finnish population allele frequency is 2.207% (rs147051654, 1150/25106 alleles, 26 homozygotes in gnomAD v2.1). Based on the classification scheme RMH Modified ACMG/AMP Guidelines v1.2.1, this variant is classified as BENIGN. Following criteria are met: BA1

Mayo Clinic Laboratories, Mayo Clinic
Classification: Benign. Last evaluated: 2021-11-04. Review status: criteria provided, single submitter. Criteria: ACMG Guidelines, 2015. Collection method: clinical testing. Allele origin: germline. Observed: 10 variant alleles.

NM_006759.4(UGP2):c.1089G>A (p.Leu363=)

Gene: UGP2 (UDP-glucose pyrophosphorylase 2; plus strand). Cytogenetic location: 2p15.
Variant type: single nucleotide variant.
Coding change: c.1089G>A on transcript NM_006759.4 (MANE Select); coding-DNA position 1089, G replaced by A.
Protein change: p.Leu363=; no amino-acid change (leucine 363 retained).
Molecular consequence: synonymous variant.
Genome position (GRCh38, 1-based): chr2:63,887,419, G>A. VCF-style: chr2-63887419-G-A. GRCh37 (hg19) VCF-style: chr2-64114553-G-A.
Other names: p.Leu363=; c.1089G>A (NM_006759.3); c.1056G>A, p.Leu352= (NM_001001521.2, NM_001377524.1, NM_001377525.1); c.729G>A, p.Leu243= (NM_001377526.1, NM_001377527.1, NM_001377528.1 and 1 more transcripts).
Identifiers: ClinVar variation 3068684 (VCV003068684.2), dbSNP rs147051654, ClinGen allele CA1683380.